The following is an entry in ClinVar:

NM_017613.4(DONSON):c.607-31_607-27del

Gene: DONSON (DNA replication fork stabilization factor DONSON; minus strand). Cytogenetic location: 21q22.11.
Variant type: Deletion.
Coding change: c.607-31_607-27del on transcript NM_017613.4 (MANE Select); 31 bases into the intron before coding-DNA position 607 through 27 bases into the intron before coding-DNA position 607, 5 bases deleted (AAAAC; older notation c.607-31_607-27delAAAAC).
Molecular consequence: intron variant.
Genome position (GRCh38, 1-based): chr21:33,584,795-33,584,799, GTTTT deleted on the plus strand (AAAAC on the coding strand, the reverse complement: DONSON is on the minus strand). VCF-style (leftmost placement, unchanged base first): chr21-33584794-AGTTTT-A. GRCh37 (hg19) VCF-style: chr21-34957100-AGTTTT-A.
Identifiers: ClinVar variation 3051838 (VCV003051838.2), dbSNP rs2517477874, ClinGen allele CA2740094706.

ClinVar aggregate classification (germline): Likely benign (0 of 4 stars; one submission).

Conditions:
DONSON-related disorder. Also called: DONSON-related condition.

Submission:

PreventionGenetics, part of Exact Sciences
Classification: Likely benign for DONSON-related condition. Last evaluated: 2023-11-22. Review status: no assertion criteria provided. Collection method: clinical testing. Allele origin: germline.
Comment: This variant is classified as likely benign based on ACMG/AMP sequence variant interpretation guidelines (Richards et al. 2015 PMID: 25741868, with internal and published modifications).